The following is an entry in ClinVar:

NM_001042750.2(STAG2):c.1933A>G (p.Thr645Ala)

Gene: STAG2 (STAG2 cohesin complex component; plus strand). Cytogenetic location: Xq25.
Variant type: single nucleotide variant.
Coding change: c.1933A>G on transcript NM_001042750.2 (MANE Select); coding-DNA position 1933, A replaced by G.
Protein change: p.Thr645Ala; replaces threonine 645 with alanine.
Molecular consequence: missense variant.
Genome position (GRCh38, 1-based): chrX:124,063,959, A>G. VCF-style: chrX-124063959-A-G. GRCh37 (hg19) VCF-style: chrX-123197809-A-G.
Other names: c.1933A>G, p.Thr645Ala (NM_001042749.2, NM_001042751.2, NM_001282418.2 and 13 more transcripts); short protein forms T645A.
Identifiers: ClinVar variation 2574992 (VCV002574992.2), dbSNP rs747288424, ClinGen allele CA414272860.

ClinVar aggregate classification (germline): Uncertain significance (1 of 4 stars; one submission).

Submission:

GeneDx
Classification: Uncertain significance. Last evaluated: 2026-09-11. Review status: criteria provided, single submitter. Criteria: GeneDx Variant Classification Process June 2021. Collection method: clinical testing. Allele origin: germline.
Comment: Not observed at significant frequency in large population cohorts (gnomAD); In silico analysis suggests that this missense variant does not alter protein structure/function; Has not been previously published as pathogenic or benign to our knowledge